The following is an entry in ClinVar:

ClinVar aggregate classification (germline): Likely benign. Review status: criteria provided, multiple submitters, no conflicts (2 of 4 stars). 2 submissions from 2 submitters: Likely benign (2). Last evaluated 2018-01-12.

Conditions:
Alpha-1-antitrypsin deficiency (A1ATD). Also called: AAT deficiency; A1AT deficiency; Alpha1-Antitrypsin Deficiency. Identifiers: Orphanet 60, MedGen C0221757, MONDO:0013282, OMIM 613490.

Allele frequency attached by ClinVar (database versions not stated): gnomAD 0.00679; 1000 Genomes Project 0.02316; TOPMed 0.01327; 1000 Genomes Project 30x 0.02467.

Submissions (2):

Illumina Laboratory Services, Illumina
Classification: Likely benign for Alpha-1-antitrypsin deficiency. Last evaluated: 2018-01-12. Review status: criteria provided, single submitter. Criteria: ICSL Variant Classification Criteria 13 December 2019. Collection method: clinical testing. Allele origin: germline.
Comment: This variant was observed in the ICSL laboratory as part of a predisposition screen in an ostensibly healthy population. It had not been previously curated by ICSL or reported in the Human Gene Mutation Database (HGMD: prior to June 1st, 2018), and was therefore a candidate for classification through an automated scoring system. Utilizing variant allele frequency, disease prevalence and penetrance estimates, and inheritance mode, an automated score was calculated to assess if this variant is too frequent to cause the disease. Based on the score and internal cut-off values, a variant classified as likely benign is not then subjected to further curation. The score for this variant resulted in a classification of likely benign for this disease.

Breakthrough Genomics
Classification: Likely benign. Review status: criteria provided, single submitter. Criteria: ACMG Guidelines, 2015. Collection method: not provided. Allele origin: germline. Inheritance: Autosomal recessive inheritance. Affected: yes.

NM_000295.4(SERPINA1):c.-208C>T

Gene: SERPINA1 (serpin family A member 1; minus strand). Cytogenetic location: 14q32.13.
Variant type: single nucleotide variant.
Coding change: c.-208C>T on transcript NM_000295.4; 208 bases upstream of the start codon, C replaced by T.
Molecular consequence: intron variant (on NM_001002235.3).
Genome position (GRCh38, 1-based): chr14:94,388,763, G>A on the plus strand (C>T on the coding strand, the complement: SERPINA1 is on the minus strand). VCF-style: chr14-94388763-G-A. GRCh37 (hg19) VCF-style: chr14-94855100-G-A.
Other names: c.-5+1694C>T (NM_001002235.3); c.-105-103C>T (NM_001127707.2); c.-108-100C>T (NM_001127706.2, NM_001127702.2); c.-106+56C>T (NM_001127704.2); c.-109+56C>T (NM_001127703.2, NM_001127701.2); c.-106+38C>T (NM_001127705.2); c.-109+38C>T (NM_001002236.3); c.-5+1657C>T (NM_001127700.2).
Identifiers: ClinVar variation 315041 (VCV000315041.8), dbSNP rs55973910, ClinGen allele CA10646645.